The following is an entry in ClinVar:

NM_201384.3(PLEC):c.11408A>G (p.Gln3803Arg)

Gene: PLEC (plectin; minus strand). Cytogenetic location: 8q24.3.
Variant type: single nucleotide variant.
Coding change: c.11408A>G on transcript NM_201384.3 (MANE Select); coding-DNA position 11408, A replaced by G.
Protein change: p.Gln3803Arg; replaces glutamine 3803 with arginine.
Molecular consequence: missense variant.
Genome position (GRCh38, 1-based): chr8:143,918,413, T>C on the plus strand (A>G on the coding strand, the complement: PLEC is on the minus strand). VCF-style: chr8-143918413-T-C. GRCh37 (hg19) VCF-style: chr8-144992581-T-C.
Other names: c.11342A>G, p.Gln3781Arg (NM_201379.3); c.11819A>G, p.Gln3940Arg (NM_201380.4); c.11312A>G, p.Gln3771Arg (NM_201381.3); c.11408A>G, p.Gln3803Arg (NM_201382.4); c.11420A>G, p.Gln3807Arg (NM_201383.3); c.11489A>G, p.Gln3830Arg (NM_000445.5); c.8108A>G, p.Gln2703Arg (NM_001410941.1); c.11366A>G, p.Gln3789Arg (NM_201378.4); short protein forms Q3771R, Q3803R, Q2703R, Q3781R, Q3807R, Q3830R, Q3940R, Q3789R.
Identifiers: ClinVar variation 4788946 (VCV004788946.1).

ClinVar aggregate classification (germline): Uncertain significance (1 of 4 stars; one submission).

Conditions:
Epidermolysis bullosa simplex with nail dystrophy (EBS5D). Identifiers: MedGen C4225309, MONDO:0014661, OMIM 616487.
Epidermolysis bullosa simplex, Ogna type (EBS5A). Also called: EPIDERMOLYSIS BULLOSA SIMPLEX 5A, OGNA TYPE; Pidermolysis bullosa simplex 5A, Ogna type. Identifiers: Orphanet 79401, MedGen C0432317, MONDO:0007555, OMIM 131950.
Autosomal recessive limb-girdle muscular dystrophy type 2Q (LGMDR17). Also called: MUSCULAR DYSTROPHY, LIMB-GIRDLE, AUTOSOMAL RECESSIVE 17. Identifiers: Orphanet 254361, MedGen C3150989, MONDO:0013390, OMIM 613723.
Epidermolysis bullosa simplex 5B, with muscular dystrophy (EBS5B). Also called: EPIDERMOLYSIS BULLOSA SIMPLEX AND LIMB-GIRDLE MUSCULAR DYSTROPHY; Epidermolysis bullosa simplex with muscular dystrophy. Identifiers: Orphanet 257, MedGen C2931072, MONDO:0009181, OMIM 226670.
Epidermolysis bullosa simplex 5C, with pyloric atresia (EBS5C). Also called: PLEC-Related Epidermolysis Bullosa with Pyloric Atresia; Epidermolysis bullosa simplex with pyloric atresia; PLEC1-Related Epidermolysis Bullosa with Pyloric Atresia. Identifiers: Orphanet 158684, MedGen C2677349, MONDO:0012807, OMIM 612138.

Submission:

Labcorp Genetics (formerly Invitae), Labcorp
Classification: Uncertain significance for Autosomal recessive limb-girdle muscular dystrophy type 2Q; Epidermolysis bullosa simplex, Ogna type; Epidermolysis bullosa simplex with nail dystrophy; Epidermolysis bullosa simplex 5C, with pyloric atresia; Epidermolysis bullosa simplex 5B, with muscular dystrophy. Last evaluated: 2025-10-15. Review status: criteria provided, single submitter. Criteria: Invitae Variant Classification Sherloc (09022015). Collection method: clinical testing. Allele origin: germline.
Comment: This sequence change replaces glutamine, which is neutral and polar, with arginine, which is basic and polar, at codon 3830 of the PLEC protein (p.Gln3830Arg). This variant is not present in population databases (gnomAD no frequency). This variant has not been reported in the literature in individuals affected with PLEC-related conditions. An algorithm developed to predict the effect of missense changes on protein structure and function (PolyPhen-2) suggests that this variant is likely to be disruptive. In summary, the available evidence is currently insufficient to determine the role of this variant in disease. Therefore, it has been classified as a Variant of Uncertain Significance.